The following is an entry in ClinVar:

NM_020975.6(RET):c.1366A>G (p.Thr456Ala)

Gene: RET (ret proto-oncogene; plus strand). Cytogenetic location: 10q11.21.
Variant type: single nucleotide variant.
Coding change: c.1366A>G on transcript NM_020975.6 (MANE Select); coding-DNA position 1366, A replaced by G.
Protein change: p.Thr456Ala; replaces threonine 456 with alanine.
Molecular consequence: missense variant.
Genome position (GRCh38, 1-based): chr10:43,111,309, A>G. VCF-style: chr10-43111309-A-G. GRCh37 (hg19) VCF-style: chr10-43606757-A-G.
Other names: c.1366A>G, p.Thr456Ala (NM_000323.2, NM_001406743.1, NM_001406744.1 and 6 more transcripts); c.604A>G, p.Thr202Ala (NM_001355216.2); c.1237A>G, p.Thr413Ala (NM_001406761.1, NM_001406762.1, NM_001406764.1 and 1 more transcripts); c.1078A>G, p.Thr360Ala (NM_001406766.1, NM_001406767.1, NM_001406770.1); c.970A>G, p.Thr324Ala (NM_001406769.1, NM_001406772.1); c.928A>G, p.Thr310Ala (NM_001406771.1, NM_001406773.1); c.841A>G, p.Thr281Ala (NM_001406774.1); c.640A>G, p.Thr214Ala (NM_001406775.1, NM_001406776.1, NM_001406777.1 and 1 more transcripts); and 1 more; short protein forms T324A, T360A, T413A, T214A, T281A, T310A, T456A, T126A.
Identifiers: ClinVar variation 2037943 (VCV002037943.5), dbSNP rs2538442352, ClinGen allele CA376549234.

ClinVar aggregate classification (germline): Uncertain significance. Review status: criteria provided, multiple submitters, no conflicts (2 of 4 stars). 2 submissions from 2 submitters: Uncertain significance (2). Last evaluated 2024-11-12.

Conditions:
Hereditary cancer-predisposing syndrome. Also called: Neoplastic Syndromes, Hereditary; Hereditary Cancer Syndrome; Tumor predisposition; Hereditary neoplastic syndrome. Identifiers: Orphanet 140162, MedGen C0027672, MeSH D009386, MONDO:0015356.
Multiple endocrine neoplasia, type 2 (MEN2). Identifiers: Orphanet 653, MedGen C4048306, MONDO:0019003. Disease mechanism: gain of function.

Submissions (2):

Ambry Genetics
Classification: Uncertain significance for Hereditary cancer-predisposing syndrome. Last evaluated: 2024-11-12. Review status: criteria provided, single submitter. Criteria: Ambry Variant Classification Scheme 2023. Collection method: clinical testing. Allele origin: germline.
Comment: The p.T456A variant (also known as c.1366A>G), located in coding exon 7 of the RET gene, results from an A to G substitution at nucleotide position 1366. The threonine at codon 456 is replaced by alanine, an amino acid with similar properties. This amino acid position is conserved. In addition, this alteration is predicted to be tolerated by in silico analysis. Based on the available evidence, the clinical significance of this variant remains unclear.

Labcorp Genetics (formerly Invitae), Labcorp
Classification: Uncertain significance for Multiple endocrine neoplasia, type 2. Last evaluated: 2022-07-30. Review status: criteria provided, single submitter. Criteria: Invitae Variant Classification Sherloc (09022015). Collection method: clinical testing. Allele origin: germline.
Comment: In summary, the available evidence is currently insufficient to determine the role of this variant in disease. Therefore, it has been classified as a Variant of Uncertain Significance. Algorithms developed to predict the effect of missense changes on protein structure and function (SIFT, PolyPhen-2, Align-GVGD) all suggest that this variant is likely to be tolerated. This variant has not been reported in the literature in individuals affected with RET-related conditions. This variant is not present in population databases (gnomAD no frequency). This sequence change replaces threonine, which is neutral and polar, with alanine, which is neutral and non-polar, at codon 456 of the RET protein (p.Thr456Ala).